The following is an entry in ClinVar:

ClinVar aggregate classification (germline): Uncertain significance. Review status: criteria provided, multiple submitters, no conflicts (2 of 4 stars). 3 submissions from 3 submitters: Uncertain significance (3). Last evaluated 2025-11-03.

Conditions:
NPHP1-related disorder. Also called: NPHP1-related disorders; NPHP1-related condition.
Nephronophthisis. Also called: Juvenile Nephronophthisis. Identifiers: Orphanet 655, MedGen C0687120, MONDO:0019005, HP:0000090.
Senior-Loken syndrome 1 (SLSN1). Also called: JUVENILE NEPHRONOPHTHISIS WITH LEBER AMAUROSIS. Identifiers: Orphanet 3156, MedGen C4551559, MONDO:0009962, OMIM 266900.
Nephronophthisis 1 (NPHP1). Also called: Nephronophthisis familial juvenile. Identifiers: Orphanet 655, Orphanet 93592, MedGen C1855681, MONDO:0009728, OMIM 256100.
Joubert syndrome with renal defect. Also called: JOUBERT SYNDROME 4. Identifiers: Orphanet 220497, MedGen C1846790, MONDO:0012308, OMIM 609583.

Allele frequency attached by ClinVar (database versions not stated): gnomAD exomes below 0.00001; ExAC 0.00001; gnomAD 0.00002 and 0.00003; TOPMed 0.00004.
gnomAD v4.1: 5 of 1,613,982 alleles (0.00031%); highest among the groups gnomAD compares: African/African-American, 0.0067%; no homozygotes.

Submissions (3):

PreventionGenetics, part of Exact Sciences
Classification: Uncertain significance for NPHP1-related condition. Last evaluated: 2025-11-03. Review status: criteria provided, single submitter. Criteria: ACMG Guidelines, 2015. Collection method: clinical testing. Allele origin: germline.
Comment: The NPHP1 c.2111C>G variant is predicted to result in the amino acid substitution p.Ala704Gly. To our knowledge, this variant has not been reported in the literature. This variant is reported in 0.012% of alleles in individuals of African descent in gnomAD. At this time, the clinical significance of this variant is uncertain due to the absence of conclusive functional and genetic evidence.

Fulgent Genetics
Classification: Uncertain significance for Nephronophthisis 1; Senior-Loken syndrome 1; Joubert syndrome with renal defect. Last evaluated: 2024-03-01. Review status: criteria provided, single submitter. Criteria: ACMG Guidelines, 2015. Collection method: clinical testing. Allele origin: germline.

Labcorp Genetics (formerly Invitae), Labcorp
Classification: Uncertain significance for Nephronophthisis. Last evaluated: 2021-01-08. Review status: criteria provided, single submitter. Criteria: Invitae Variant Classification Sherloc (09022015). Collection method: clinical testing. Allele origin: germline.
Comment: In summary, the available evidence is currently insufficient to determine the role of this variant in disease. Therefore, it has been classified as a Variant of Uncertain Significance. Algorithms developed to predict the effect of sequence changes on RNA splicing suggest that this variant may create or strengthen a splice site, but this prediction has not been confirmed by published transcriptional studies. Algorithms developed to predict the effect of missense changes on protein structure and function (SIFT, PolyPhen-2, Align-GVGD) all suggest that this variant is likely to be tolerated, but these predictions have not been confirmed by published functional studies and their clinical significance is uncertain. This variant has not been reported in the literature in individuals with NPHP1-related conditions. This variant is present in population databases (rs779089046, ExAC 0.01%). This sequence change replaces alanine with glycine at codon 704 of the NPHP1 protein (p.Ala704Gly). The alanine residue is weakly conserved and there is a small physicochemical difference between alanine and glycine.

NM_001128178.3(NPHP1):c.1943C>G (p.Ala648Gly)

Gene: NPHP1 (nephrocystin 1; minus strand). Cytogenetic location: 2q13.
Variant type: single nucleotide variant.
Coding change: c.1943C>G on transcript NM_001128178.3 (MANE Select); coding-DNA position 1943, C replaced by G.
Protein change: p.Ala648Gly; replaces alanine 648 with glycine.
Molecular consequence: missense variant. On other transcripts: 3 prime UTR variant (1).
Genome position (GRCh38, 1-based): chr2:110,123,882, G>C on the plus strand (C>G on the coding strand, the complement: NPHP1 is on the minus strand). VCF-style: chr2-110123882-G-C. GRCh37 (hg19) VCF-style: chr2-110881459-G-C.
Other names: c.2111C>G, p.Ala704Gly (NM_000272.5); c.1754C>G, p.Ala585Gly (NM_001128179.3); c.1940C>G, p.Ala647Gly (NM_001374256.1); c.*185C>G (NM_001374257.1); c.2108C>G, p.Ala703Gly (NM_207181.4); c.2111C>G (NM_000272.4, NM_000272.3); short protein forms A585G, A703G, A648G, A704G, A647G.
Identifiers: ClinVar variation 1442883 (VCV001442883.9), dbSNP rs779089046, ClinGen allele CA1826841.